The following is an entry in ClinVar:

NM_001430.5(EPAS1):c.1463A>G (p.Tyr488Cys)

Gene: EPAS1 (endothelial PAS domain protein 1; plus strand). Cytogenetic location: 2p21.
Variant type: single nucleotide variant.
Coding change: c.1463A>G on transcript NM_001430.5 (MANE Select); coding-DNA position 1463, A replaced by G.
Protein change: p.Tyr488Cys; replaces tyrosine 488 with cysteine.
Molecular consequence: missense variant.
Genome position (GRCh38, 1-based): chr2:46,378,676, A>G. VCF-style: chr2-46378676-A-G. GRCh37 (hg19) VCF-style: chr2-46605815-A-G.
Other names: short protein forms Y488C.
Identifiers: ClinVar variation 3720330 (VCV003720330.2).
Genomic context (GRCh38, chr2:46,378,676, plus strand): 5'-GCCATATCTTTGACTCTGTCCCCCTCCTTCCTGGCCCCTAGCCCAATAGCCCTGAAGACT[A>G]TTACACATCTTTGGATAACGACCTGAAGATTGAAGTGATTGAGAAGCTCTTCGCCATGGA-3'
Protein context (NP_001421.2, residues 478-498): SCSTPNSPED[Tyr488Cys]YTSLDNDLKI

ClinVar aggregate classification (germline): Uncertain significance (1 of 4 stars; one submission).

gnomAD v4.1: 10 of 1,614,122 alleles (0.00062%); highest among the groups gnomAD compares: Middle Eastern, 0.016%; no homozygotes.

Submission:

Labcorp Genetics (formerly Invitae), Labcorp
Classification: Uncertain significance. Last evaluated: 2024-05-06. Review status: criteria provided, single submitter. Criteria: Invitae Variant Classification Sherloc (09022015). Collection method: clinical testing. Allele origin: germline.
Comment: This sequence change replaces tyrosine, which is neutral and polar, with cysteine, which is neutral and slightly polar, at codon 488 of the EPAS1 protein (p.Tyr488Cys). This variant is present in population databases (no rsID available, gnomAD 0.003%). This variant has not been reported in the literature in individuals affected with EPAS1-related conditions. An algorithm developed to predict the effect of missense changes on protein structure and function (PolyPhen-2) suggests that this variant is likely to be tolerated. In summary, the available evidence is currently insufficient to determine the role of this variant in disease. Therefore, it has been classified as a Variant of Uncertain Significance.